The following is an entry in ClinVar:

NM_007186.6(CEP250):c.2882del (p.Lys961fs)

Gene: CEP250 (centrosomal protein 250; plus strand). Cytogenetic location: 20q11.22.
Variant type: Deletion.
Coding change: c.2882del on transcript NM_007186.6 (MANE Select); coding-DNA position 2882, one base deleted (A; older notation c.2882delA).
Protein change: p.Lys961fs; shifts the reading frame from lysine 961.
Molecular consequence: frameshift variant.
Genome position (GRCh38, 1-based): chr20:35,491,339, A deleted; the last of 3 consecutive A bases (chr20:35,491,337-35,491,339); deleting any one gives the same sequence. VCF-style (leftmost placement, unchanged base first): chr20-35491336-TA-T. GRCh37 (hg19) VCF-style: chr20-34079162-TA-T.
Other names: c.986del, p.Lys329fs (NM_001318219.1); short protein forms K329fs, K961fs.
Identifiers: ClinVar variation 3625021 (VCV003625021.2).
Genomic context (GRCh38, chr20:35,491,336, plus strand): 5'-AGCTAGCAGATGCCAGCCAACAACTGGAACGACTGAGGCAGGACATGAAAGTCCAGAAAT[TA>T]AAGGAGCAGGTATGGAGGGTGGTCTCGGGAGTAGGGGAGAAAGGGGCACTCATTTACCCA-3'

ClinVar aggregate classification (germline): Pathogenic (1 of 4 stars; one submission).

Submission:

Labcorp Genetics (formerly Invitae), Labcorp
Classification: Pathogenic. Last evaluated: 2025-10-08. Review status: criteria provided, single submitter. Criteria: Invitae Variant Classification Sherloc (09022015). Collection method: clinical testing. Allele origin: germline.
Comment: This sequence change creates a premature translational stop signal (p.Lys961Argfs*20) in the CEP250 gene. It is expected to result in an absent or disrupted protein product. Loss-of-function variants in CEP250 are known to be pathogenic (PMID: 24780881, 29718797). This variant is present in population databases (no rsID available, gnomAD 0.007%). This variant has not been reported in the literature in individuals affected with CEP250-related conditions. ClinVar contains an entry for this variant (Variation ID: 3625021). For these reasons, this variant has been classified as Pathogenic.

Literature cited by the submitters: PubMed 24780881; PubMed 29718797.